The following is an entry in ClinVar:

ClinVar aggregate classification (germline): Uncertain significance (1 of 4 stars; one submission).

Conditions:
Combined oxidative phosphorylation defect type 17. Also called: Combined oxidative phosphorylation deficiency 17. Identifiers: Orphanet 369913, MedGen C3809526, MONDO:0014190, OMIM 615440.

Allele frequency attached by ClinVar (database versions not stated): gnomAD exomes below 0.00001.
gnomAD v4.1: 2 of 1,614,120 alleles (0.00012%); highest among the groups gnomAD compares: East Asian, 0.0022%; no homozygotes.

Submission:

Labcorp Genetics (formerly Invitae), Labcorp
Classification: Uncertain significance for Combined oxidative phosphorylation defect type 17. Last evaluated: 2022-08-18. Review status: criteria provided, single submitter. Criteria: Invitae Variant Classification Sherloc (09022015). Collection method: clinical testing. Allele origin: germline.
Comment: This variant has not been reported in the literature in individuals affected with ELAC2-related conditions. This variant is not present in population databases (gnomAD no frequency). This sequence change replaces methionine, which is neutral and non-polar, with valine, which is neutral and non-polar, at codon 95 of the ELAC2 protein (p.Met95Val). Algorithms developed to predict the effect of missense changes on protein structure and function are either unavailable or do not agree on the potential impact of this missense change (SIFT: "Tolerated"; PolyPhen-2: "Probably Damaging"; Align-GVGD: "Class C0"). In summary, the available evidence is currently insufficient to determine the role of this variant in disease. Therefore, it has been classified as a Variant of Uncertain Significance.

NM_018127.7(ELAC2):c.283A>G (p.Met95Val)

Gene: ELAC2 (elaC ribonuclease Z 2; minus strand). Cytogenetic location: 17p12.
Variant type: single nucleotide variant.
Coding change: c.283A>G on transcript NM_018127.7 (MANE Select); coding-DNA position 283, A replaced by G.
Protein change: p.Met95Val; replaces methionine 95 with valine.
Molecular consequence: missense variant.
Genome position (GRCh38, 1-based): chr17:13,017,084, T>C on the plus strand (A>G on the coding strand, the complement: ELAC2 is on the minus strand). VCF-style: chr17-13017084-T-C. GRCh37 (hg19) VCF-style: chr17-12920401-T-C.
Other names: c.283A>G, p.Met95Val (NM_001165962.2, NM_173717.2); short protein forms M95V.
Identifiers: ClinVar variation 1902002 (VCV001902002.5), dbSNP rs2508391483, ClinGen allele CA398218579.